The following is an entry in ClinVar:

ClinVar aggregate classification (germline): Uncertain significance (1 of 4 stars; one submission).

gnomAD v4.1: 1 of 1,613,852 alleles (0.000062%); highest among the groups gnomAD compares: Non-Finnish European, 0.000085%; no homozygotes.

Submission:

Labcorp Genetics (formerly Invitae), Labcorp
Classification: Uncertain significance. Last evaluated: 2025-02-15. Review status: criteria provided, single submitter. Criteria: Invitae Variant Classification Sherloc (09022015). Collection method: clinical testing. Allele origin: germline.
Comment: This sequence change replaces alanine, which is neutral and non-polar, with valine, which is neutral and non-polar, at codon 1799 of the COL7A1 protein (p.Ala1799Val). This variant is not present in population databases (gnomAD no frequency). This variant has not been reported in the literature in individuals affected with COL7A1-related conditions. Invitae Evidence Modeling of protein sequence and biophysical properties (such as structural, functional, and spatial information, amino acid conservation, physicochemical variation, residue mobility, and thermodynamic stability) indicates that this missense variant is not expected to disrupt COL7A1 protein function with a negative predictive value of 95%. In summary, the available evidence is currently insufficient to determine the role of this variant in disease. Therefore, it has been classified as a Variant of Uncertain Significance.

NM_000094.4(COL7A1):c.5396C>T (p.Ala1799Val)

Genes: COL7A1 (collagen type VII alpha 1 chain; minus strand), MIR711 (microRNA 711; minus strand). Cytogenetic location: 3p21.31.
Variant type: single nucleotide variant.
Coding change: c.5396C>T on transcript NM_000094.4 (MANE Select); coding-DNA position 5396, C replaced by T.
Protein change: p.Ala1799Val; replaces alanine 1799 with valine.
Molecular consequence: missense variant. On other transcripts: non-coding transcript variant (1).
Genome position (GRCh38, 1-based): chr3:48,578,947, G>A on the plus strand (C>T on the coding strand, the complement: COL7A1 is on the minus strand). VCF-style: chr3-48578947-G-A. GRCh37 (hg19) VCF-style: chr3-48616380-G-A.
Other names: short protein forms A1799V.
Identifiers: ClinVar variation 4737230 (VCV004737230.1).